The following is an entry in ClinVar:

NM_000784.4(CYP27A1):c.1514C>A (p.Thr505Lys)

Gene: CYP27A1 (cytochrome P450 family 27 subfamily A member 1; plus strand). Cytogenetic location: 2q35.
Variant type: single nucleotide variant.
Coding change: c.1514C>A on transcript NM_000784.4 (MANE Select); coding-DNA position 1514, C replaced by A.
Protein change: p.Thr505Lys; replaces threonine 505 with lysine.
Molecular consequence: missense variant.
Genome position (GRCh38, 1-based): chr2:218,814,948, C>A. VCF-style: chr2-218814948-C-A. GRCh37 (hg19) VCF-style: chr2-219679671-C-A.
Other names: short protein forms T505K.
Identifiers: ClinVar variation 1445841 (VCV001445841.6), dbSNP rs76822427, ClinGen allele CA2112936.

ClinVar aggregate classification (germline): Uncertain significance. Review status: criteria provided, multiple submitters, no conflicts (2 of 4 stars). 3 submissions from 3 submitters: Uncertain significance (3). Last evaluated 2022-09-27.

Conditions:
Cholestanol storage disease (CTX). Also called: CEREBRAL CHOLESTERINOSIS; Cerebrotendinous Xanthomatosis; CTX: Cerebrotendinous xanthomatosis. Identifiers: Orphanet 909, MedGen C0238052, MONDO:0008948, OMIM 213700.
Cardiovascular phenotype. Identifiers: MedGen CN230736.

Allele frequency attached by ClinVar (database versions not stated): 1000 Genomes Project 30x 0.00016; 1000 Genomes Project 0.00020.
gnomAD v4.1: 21 of 1,614,224 alleles (0.0013%); highest among the groups gnomAD compares: African/African-American, 0.0053%; no homozygotes.

Submissions (3):

Labcorp Genetics (formerly Invitae), Labcorp
Classification: Uncertain significance for Cholestanol storage disease. Last evaluated: 2022-09-27. Review status: criteria provided, single submitter. Criteria: Invitae Variant Classification Sherloc (09022015). Collection method: clinical testing. Allele origin: germline.
Comment: This sequence change replaces threonine, which is neutral and polar, with lysine, which is basic and polar, at codon 505 of the CYP27A1 protein (p.Thr505Lys). This variant is present in population databases (rs76822427, gnomAD 0.02%). This variant has not been reported in the literature in individuals affected with CYP27A1-related conditions. ClinVar contains an entry for this variant (Variation ID: 1445841). Advanced modeling of protein sequence and biophysical properties (such as structural, functional, and spatial information, amino acid conservation, physicochemical variation, residue mobility, and thermodynamic stability) performed at Invitae indicates that this missense variant is not expected to disrupt CYP27A1 protein function. In summary, the available evidence is currently insufficient to determine the role of this variant in disease. Therefore, it has been classified as a Variant of Uncertain Significance.

Ambry Genetics
Classification: Uncertain significance for Cardiovascular phenotype. Last evaluated: 2022-08-03. Review status: criteria provided, single submitter. Criteria: Ambry Variant Classification Scheme 2023. Collection method: clinical testing. Allele origin: germline.
Comment: The p.T505K variant (also known as c.1514C>A), located in coding exon 9 of the CYP27A1 gene, results from a C to A substitution at nucleotide position 1514. The threonine at codon 505 is replaced by lysine, an amino acid with similar properties. This amino acid position is conserved. In addition, this alteration is predicted to be tolerated by in silico analysis. Since supporting evidence is limited at this time, the clinical significance of this alteration remains unclear.

Fulgent Genetics
Classification: Uncertain significance for Cholestanol storage disease. Last evaluated: 2021-12-13. Review status: criteria provided, single submitter. Criteria: ACMG Guidelines, 2015. Collection method: clinical testing. Allele origin: unknown.